The following is an entry in ClinVar:

ClinVar aggregate classification (germline): Uncertain significance (1 of 4 stars; one submission).

Submission:

Labcorp Genetics (formerly Invitae), Labcorp
Classification: Uncertain significance. Last evaluated: 2025-11-27. Review status: criteria provided, single submitter. Criteria: Invitae Variant Classification Sherloc (09022015). Collection method: clinical testing. Allele origin: germline.
Comment: This variant, c.482_490dup, results in the insertion of 3 amino acid(s) of the CDAN1 protein (p.Arg161_Ser163dup), but otherwise preserves the integrity of the reading frame. This variant is present in population databases (rs761497722, gnomAD 0.009%). This variant has not been reported in the literature in individuals affected with CDAN1-related conditions. In summary, the available evidence is currently insufficient to determine the role of this variant in disease. Therefore, it has been classified as a Variant of Uncertain Significance.

NM_138477.4(CDAN1):c.473GCCCCAGCC[3] (p.Ser163_Leu164insArgProSer)

Genes: CDAN1 (codanin 1; minus strand), LOC130056931 (ATAC-STARR-seq lymphoblastoid silent region 6376; plus strand). Cytogenetic location: 15q15.2.
Variant type: Microsatellite.
Coding change: c.473GCCCCAGCC[3] on transcript NM_138477.4 (MANE Select); three copies in a row of the 9-base unit GCCCCAGCC starting at c.473; the reference has two copies in a row; one copy, 9 bases duplicated.
Protein change: p.Ser163_Leu164insArgProSer.
Molecular consequence: inframe insertion.
Genome position (GRCh38, 1-based): chr15:42,736,381-42,736,389, GGCTGGGGC duplicated on the plus strand (GCCCCAGCC on the coding strand, the reverse complement: CDAN1 is on the minus strand); duplicating any 9 consecutive bases within chr15:42,736,381-42,736,398 gives the same sequence; the position shown is the placement nearest the transcript's 3' end. VCF-style (leftmost placement, unchanged base first): chr15-42736380-A-AGGCTGGGGC. GRCh37 (hg19) VCF-style: chr15-43028578-A-AGGCTGGGGC.
Identifiers: ClinVar variation 2419031 (VCV002419031.4), dbSNP rs761497722, ClinGen allele CA7516395.
Genomic context (GRCh38, chr15:42,736,380, plus strand): 5'-ACCGAGCCTACGGGAGGGAACTCCTCCAGGTTGCTGAGGTTTGGCGGATCAGACAGCGTG[A>AGGCTGGGGC]GGCTGGGGCGGCTGGGGCTGCCAGAGCCCCTAAGCCTCCGGCCCCCGGCTCCGGGCAGGC-3'